The following is an entry in ClinVar:

NM_004380.3(CREBBP):c.3837-4C>T

Gene: CREBBP (CREB binding lysine acetyltransferase; minus strand). Cytogenetic location: 16p13.3.
Variant type: single nucleotide variant.
Coding change: c.3837-4C>T on transcript NM_004380.3 (MANE Select); 4 bases into the intron before coding-DNA position 3837, C replaced by T.
Molecular consequence: intron variant.
Genome position (GRCh38, 1-based): chr16:3,745,358, G>A on the plus strand (C>T on the coding strand, the complement: CREBBP is on the minus strand). VCF-style: chr16-3745358-G-A. GRCh37 (hg19) VCF-style: chr16-3795359-G-A.
Other names: c.3723-4C>T (NM_001079846.1); c.3837-4C>T (NM_004380.2).
Identifiers: ClinVar variation 4762405 (VCV004762405.2).
Genomic context (GRCh38, chr16:3,745,358, plus strand): 5'-TAGTGCAGAACGCAAATCTGATGCATCTTCCGGCCACACTCCTTGCAATCAACGAAACTA[G>A]GAGGCAAAGAAGGCGCACTGTTAAAGCACACGGAACCACAAGACCAGAGTCACTTGTAGA-3'

ClinVar aggregate classification (germline): Likely benign. Review status: criteria provided, multiple submitters, no conflicts (2 of 4 stars). 2 submissions from 2 submitters: Likely benign (2). Last evaluated 2025-10-05.

Conditions:
Rubinstein-Taybi syndrome (RSTS). Identifiers: Orphanet 783, MedGen C0035934, MONDO:0019188.
CREBBP-related disorder. Also called: CREBBP-related condition; CREBBP-related disorders.

gnomAD v4.1: 47 of 1,613,890 alleles (0.0029%); highest among the groups gnomAD compares: Non-Finnish European, 0.0039%; no homozygotes.

Submissions (2):

Labcorp Genetics (formerly Invitae), Labcorp
Classification: Likely benign for Rubinstein-Taybi syndrome. Last evaluated: 2025-10-05. Review status: criteria provided, single submitter. Criteria: Invitae Variant Classification Sherloc (09022015). Collection method: clinical testing. Allele origin: germline.

PreventionGenetics, part of Exact Sciences
Classification: Likely benign for CREBBP-related condition. Last evaluated: 2025-03-26. Review status: criteria provided, single submitter. Criteria: ACMG Guidelines, 2015. Collection method: clinical testing. Allele origin: germline.
Comment: This variant is classified as likely benign based on ACMG/AMP sequence variant interpretation guidelines (Richards et al. 2015 PMID: 25741868, with internal and published modifications).